The following is an entry in ClinVar:

NM_000116.5(TAFAZZIN):c.69C>T (p.Val23=)

Genes: DNASE1L1 (deoxyribonuclease 1 like 1; minus strand), TAFAZZIN (tafazzin, phospholipid-lysophospholipid transacylase; plus strand), LOC130068869 (ATAC-STARR-seq lymphoblastoid silent region 21101; plus strand). Cytogenetic location: Xq28.
Variant type: single nucleotide variant.
Coding change: c.69C>T on transcript NM_000116.5 (MANE Select); coding-DNA position 69, C replaced by T.
Protein change: p.Val23=; no amino-acid change (valine 23 retained).
Molecular consequence: synonymous variant. On other transcripts: 5 prime UTR variant (3), non-coding transcript variant (1).
Genome position (GRCh38, 1-based): chrX:154,411,912, C>T. VCF-style: chrX-154411912-C-T. GRCh37 (hg19) VCF-style: chrX-153640249-C-T.
Other names: c.-452G>A (NM_001009932.3); c.-194G>A (NM_001009933.3); c.-109G>A (NM_001009934.3); c.69C>T, p.Val23= (NM_001303465.2, NM_001410698.1, NM_001440856.1 and 5 more transcripts).
Identifiers: ClinVar variation 462144 (VCV000462144.11), dbSNP rs782123597, ClinGen allele CA10562263.

ClinVar aggregate classification (germline): Likely benign. Review status: criteria provided, multiple submitters, no conflicts (2 of 4 stars). 3 submissions from 3 submitters: Likely benign (3). Last evaluated 2025-06-29.

Conditions:
Cardiovascular phenotype. Identifiers: MedGen CN230736.
3-Methylglutaconic aciduria type 2 (BTHS). Also called: Barth syndrome; CARDIOSKELETAL MYOPATHY WITH NEUTROPENIA AND ABNORMAL MITOCHONDRIA. Identifiers: Orphanet 111, MedGen C0574083, MONDO:0010543, OMIM 302060.

Allele frequency attached by ClinVar (database versions not stated): gnomAD exomes 0.00001 and below 0.00001; ExAC 0.00002; TOPMed 0.00002.
gnomAD v4.1: 2 of 1,208,119 alleles (0.00017%); highest among the groups gnomAD compares: Admixed American, 0.0044%; no homozygotes.

Submissions (3):

Labcorp Genetics (formerly Invitae), Labcorp
Classification: Likely benign for 3-Methylglutaconic aciduria type 2. Last evaluated: 2025-06-29. Review status: criteria provided, single submitter. Criteria: Invitae Variant Classification Sherloc (09022015). Collection method: clinical testing. Allele origin: germline.

Ambry Genetics
Classification: Likely benign for Cardiovascular phenotype. Last evaluated: 2021-07-26. Review status: criteria provided, single submitter. Criteria: Ambry Variant Classification Scheme 2023. Collection method: clinical testing. Allele origin: germline.

GeneDx
Classification: Likely benign. Last evaluated: 2018-06-04. Review status: criteria provided, single submitter. Criteria: GeneDx Variant Classification (06012015). Collection method: clinical testing. Allele origin: germline. Affected: yes.
Comment: This variant is considered likely benign or benign based on one or more of the following criteria: it is a conservative change, it occurs at a poorly conserved position in the protein, it is predicted to be benign by multiple in silico algorithms, and/or has population frequency not consistent with disease.